The following is an entry in ClinVar:

ClinVar aggregate classification (germline): Uncertain significance (1 of 4 stars; one submission).

Conditions:
Multiple sulfatase deficiency (MSD). Also called: Multiple Sulfatase Deficiency Disease; Sulfatidosis, Juvenile, Austin Type; Mucosulfatidosis. Identifiers: Orphanet 585, MedGen C0268263, MONDO:0010088, OMIM 272200.

Submission:

Labcorp Genetics (formerly Invitae), Labcorp
Classification: Uncertain significance for Multiple sulfatase deficiency. Last evaluated: 2022-03-12. Review status: criteria provided, single submitter. Criteria: Invitae Variant Classification Sherloc (09022015). Collection method: clinical testing. Allele origin: germline.
Comment: This sequence change replaces proline, which is neutral and non-polar, with leucine, which is neutral and non-polar, at codon 191 of the SUMF1 protein (p.Pro191Leu). This variant is not present in population databases (gnomAD no frequency). This variant has not been reported in the literature in individuals affected with SUMF1-related conditions. Algorithms developed to predict the effect of missense changes on protein structure and function (SIFT, PolyPhen-2, Align-GVGD) all suggest that this variant is likely to be disruptive. In summary, the available evidence is currently insufficient to determine the role of this variant in disease. Therefore, it has been classified as a Variant of Uncertain Significance.

NM_182760.4(SUMF1):c.572C>T (p.Pro191Leu)

Gene: SUMF1 (sulfatase modifying factor 1; minus strand). Cytogenetic location: 3p26.1.
Variant type: single nucleotide variant.
Coding change: c.572C>T on transcript NM_182760.4 (MANE Select); coding-DNA position 572, C replaced by T.
Protein change: p.Pro191Leu; replaces proline 191 with leucine.
Molecular consequence: missense variant.
Genome position (GRCh38, 1-based): chr3:4,420,094, G>A on the plus strand (C>T on the coding strand, the complement: SUMF1 is on the minus strand). VCF-style: chr3-4420094-G-A. GRCh37 (hg19) VCF-style: chr3-4461778-G-A.
Other names: c.497C>T, p.Pro166Leu (NM_001164674.2); c.572C>T, p.Pro191Leu (NM_001164675.2); short protein forms P166L, P191L.
Identifiers: ClinVar variation 2180713 (VCV002180713.1), dbSNP rs2469868261, ClinGen allele CA351632884.